The following is an entry in ClinVar:

NM_000199.5(SGSH):c.701C>G (p.Ala234Gly)

Gene: SGSH (N-sulfoglucosamine sulfohydrolase; minus strand). Cytogenetic location: 17q25.3.
Variant type: single nucleotide variant.
Coding change: c.701C>G on transcript NM_000199.5 (MANE Select); coding-DNA position 701, C replaced by G.
Protein change: p.Ala234Gly; replaces alanine 234 with glycine.
Molecular consequence: missense variant. On other transcripts: non-coding transcript variant (1).
Genome position (GRCh38, 1-based): chr17:80,213,848, G>C on the plus strand (C>G on the coding strand, the complement: SGSH is on the minus strand). VCF-style: chr17-80213848-G-C. GRCh37 (hg19) VCF-style: chr17-78187647-G-C.
Other names: c.701C>G, p.Ala234Gly (NM_001352921.3, NM_001352922.2); short protein forms A234G.
Identifiers: ClinVar variation 290032 (VCV000290032.25), dbSNP rs113641837, ClinGen allele CA8817832.

ClinVar aggregate classification (germline): Benign/Likely benign. Review status: criteria provided, multiple submitters, no conflicts (2 of 4 stars). 9 submissions from 9 submitters: Benign (6); Likely benign (1). 2 of the submissions do not count toward it. Last evaluated 2026-01-26.

Conditions:
SGSH-related disorder. Also called: SGSH-related condition.
Mucopolysaccharidosis, MPS-III-A (MPS3A). Also called: MUCOPOLYSACCHARIDOSIS, TYPE IIIA, ATTENUATED; Mucopolysaccharidosis type IIIA (Sanfilippo A); mucopolysaccharidosis type 3A; MPS IIIA (Sanfilippo Syndrome Type A); MPS III A; HEPARAN SULFATE SULFATASE DEFICIENCY. Identifiers: Orphanet 581, Orphanet 79269, MedGen C0086647, MONDO:0009655, OMIM 252900.

Allele frequency attached by ClinVar (database versions not stated): gnomAD 0.00339 and 0.00359; TOPMed 0.00367; gnomAD exomes 0.00074; 1000 Genomes Project 0.00459; ExAC 0.00111; 1000 Genomes Project 30x 0.00406; ESP Exome Variant Server 0.00239.
gnomAD v4.1: 1,040 of 1,608,594 alleles (0.065%); highest among the groups gnomAD compares: African/African-American, 1.2%; 9 homozygotes.

Submissions (9):

Labcorp Genetics (formerly Invitae), Labcorp
Classification: Benign for Mucopolysaccharidosis, MPS-III-A. Last evaluated: 2026-01-26. Review status: criteria provided, single submitter. Criteria: Invitae Variant Classification Sherloc (09022015). Collection method: clinical testing. Allele origin: germline.

Blueprint Genetics
Classification: Likely benign. Last evaluated: 2024-11-11. Review status: criteria provided, single submitter. Criteria: ACMG Guidelines, 2015. Collection method: clinical testing. Allele origin: germline.

Women's Health and Genetics/Laboratory Corporation of America, LabCorp
Classification: Benign. Last evaluated: 2022-07-12. Review status: criteria provided, single submitter. Criteria: LabCorp Variant Classification Summary - May 2015. Collection method: clinical testing. Allele origin: germline.
Comment: Variant summary: SGSH c.701C>G (p.Ala234Gly) results in a non-conservative amino acid change located in the Sulfatase, N-terminal domain (IPR000917) of the encoded protein sequence. Three of five in-silico tools predict a damaging effect of the variant on protein function. The variant allele was found at a frequency of 0.001 in 268754 control chromosomes (gnomAD), predominantly at a frequency of 0.011 within the African or African-American subpopulation in the gnomAD database, including 3 homozygotes. The observed variant frequency within African or African-American control individuals in the gnomAD database is approximately 3 fold of the estimated maximal expected allele frequency for a pathogenic variant in SGSH causing Mucopolysaccharidosis Type IIIA (Sanfilippo Syndrome A) (0.0032), strongly suggesting that the variant is a benign polymorphism found primarily in populations of African or African-American origin. Five ClinVar submitters have assessed the variant since 2014: all five classified the variants as benign. Based on the evidence outlined above, the variant was classified as benign.

Genome-Nilou Lab
Classification: Benign for Mucopolysaccharidosis, MPS-III-A. Last evaluated: 2021-11-07. Review status: criteria provided, single submitter. Criteria: ACMG Guidelines, 2015. Collection method: clinical testing. Allele origin: germline. Affected: no.

GeneDx
Classification: Benign. Last evaluated: 2020-02-14. Review status: criteria provided, single submitter. Criteria: GeneDx Variant Classification Process June 2021. Collection method: clinical testing. Allele origin: germline. Affected: yes.
Comment: This variant is associated with the following publications: (PMID: 21228398, 22995991, 9285796, 25807448, 24816101)

Eurofins Ntd Llc (ga)
Classification: Benign. Last evaluated: 2016-08-05. Review status: criteria provided, single submitter. Criteria: EGL Classification Definitions 2015. Collection method: clinical testing. Allele origin: germline. Observed: 1 variant allele, 1 heterozygote.

Breakthrough Genomics
Classification: Benign. Review status: criteria provided, single submitter. Criteria: ACMG Guidelines, 2015. Collection method: not provided. Allele origin: germline. Inheritance: Autosomal recessive inheritance. Affected: yes.

Natera, Inc.
Classification: Benign for Mucopolysaccharidosis type IIIA. Last evaluated: 2020-09-16. Review status: no assertion criteria provided. Collection method: clinical testing. Allele origin: germline. Not counted in ClinVar's aggregate classification.

PreventionGenetics, part of Exact Sciences
Classification: Benign for SGSH-related condition. Last evaluated: 2019-05-03. Review status: no assertion criteria provided. Collection method: clinical testing. Allele origin: germline. Not counted in ClinVar's aggregate classification.
Comment: This variant is classified as benign based on ACMG/AMP sequence variant interpretation guidelines (Richards et al. 2015 PMID: 25741868, with internal and published modifications).